The following is an entry in ClinVar:

ClinVar aggregate classification (germline): Uncertain significance (1 of 4 stars; one submission).

Conditions:
Spermatogenic failure 18. Identifiers: MedGen C4539783, MONDO:0054615, OMIM 617576.
Ciliary dyskinesia, primary, 37 (CILD37). Also called: CILIARY DYSKINESIA, PRIMARY, 37, WITH OR WITHOUT SITUS INVERSUS. Identifiers: MedGen C4539798, MONDO:0033204, OMIM 617577.

Allele frequency attached by ClinVar (database versions not stated): gnomAD exomes 0.00001; gnomAD 0.00002; TOPMed 0.00002; 1000 Genomes Project 30x 0.00016; 1000 Genomes Project 0.00020.
gnomAD v4.1: 10 of 1,559,172 alleles (0.00064%); highest among the groups gnomAD compares: East Asian, 0.019%; no homozygotes.

Submission:

Labcorp Genetics (formerly Invitae), Labcorp
Classification: Uncertain significance for Ciliary dyskinesia, primary, 37; Spermatogenic failure 18. Last evaluated: 2022-10-16. Review status: criteria provided, single submitter. Criteria: Invitae Variant Classification Sherloc (09022015). Collection method: clinical testing. Allele origin: germline.
Comment: This sequence change falls in intron 55 of the DNAH1 gene. It does not directly change the encoded amino acid sequence of the DNAH1 protein. It affects a nucleotide within the consensus splice site. This variant is present in population databases (rs543004950, gnomAD 0.04%). This variant has not been reported in the literature in individuals affected with DNAH1-related conditions. Variants that disrupt the consensus splice site are a relatively common cause of aberrant splicing (PMID: 17576681, 9536098). Algorithms developed to predict the effect of sequence changes on RNA splicing suggest that this variant is not likely to affect RNA splicing. In summary, the available evidence is currently insufficient to determine the role of this variant in disease. Therefore, it has been classified as a Variant of Uncertain Significance.

Literature cited by the submitters: PubMed 17576681; PubMed 9536098.

NM_015512.5(DNAH1):c.8811+4G>A

Gene: DNAH1 (dynein axonemal heavy chain 1; plus strand). Cytogenetic location: 3p21.1.
Variant type: single nucleotide variant.
Coding change: c.8811+4G>A on transcript NM_015512.5 (MANE Select); 4 bases into the intron after coding-DNA position 8811, G replaced by A.
Molecular consequence: intron variant.
Genome position (GRCh38, 1-based): chr3:52,386,349, G>A. VCF-style: chr3-52386349-G-A. GRCh37 (hg19) VCF-style: chr3-52420365-G-A.
Identifiers: ClinVar variation 2071548 (VCV002071548.1), dbSNP rs543004950, ClinGen allele CA2435324.